The following is an entry in ClinVar:

ClinVar aggregate classification (germline): Uncertain significance (1 of 4 stars; one submission).

Conditions:
Nemaline myopathy 10 (NEM10). Identifiers: MedGen C4015360, MONDO:0014513, OMIM 616165.

Allele frequency attached by ClinVar (database versions not stated): gnomAD exomes below 0.00001; ExAC 0.00001.

Submission:

Labcorp Genetics (formerly Invitae), Labcorp
Classification: Uncertain significance for Nemaline myopathy 10. Last evaluated: 2018-02-23. Review status: criteria provided, single submitter. Criteria: Invitae Variant Classification Sherloc (09022015). Collection method: clinical testing. Allele origin: germline.
Comment: In summary, the available evidence is currently insufficient to determine the role of this variant in disease. Therefore, it has been classified as a Variant of Uncertain Significance. Algorithms developed to predict the effect of missense changes on protein structure and function do not agree on the potential impact of this missense change (SIFT: "Deleterious"; PolyPhen-2: "Probably Damaging"; Align-GVGD: "Class C0"). This variant has not been reported in the literature in individuals with LMOD3-related disease. This variant is present in population databases (rs752432695, ExAC 0.002%). This sequence change replaces histidine with arginine at codon 68 of the LMOD3 protein (p.His68Arg). The histidine residue is highly conserved and there is a small physicochemical difference between histidine and arginine.

NM_198271.5(LMOD3):c.203A>G (p.His68Arg)

Genes: LMOD3 (leiomodin 3; minus strand), LOC126806710 (CDK7 strongly-dependent group 2 enhancer GRCh37_chr3:69170601-69171800; plus strand). Cytogenetic location: 3p14.1.
Variant type: single nucleotide variant.
Coding change: c.203A>G on transcript NM_198271.5 (MANE Select); coding-DNA position 203, A replaced by G.
Protein change: p.His68Arg; replaces histidine 68 with arginine.
Molecular consequence: missense variant.
Genome position (GRCh38, 1-based): chr3:69,122,184, T>C on the plus strand (A>G on the coding strand, the complement: LMOD3 is on the minus strand). VCF-style: chr3-69122184-T-C. GRCh37 (hg19) VCF-style: chr3-69171335-T-C.
Other names: c.203A>G, p.His68Arg (NM_001304418.3); short protein forms H68R.
Identifiers: ClinVar variation 542085 (VCV000542085.6), dbSNP rs752432695, ClinGen allele CA2489053.